The following is an entry in ClinVar:

ClinVar aggregate classification (germline): Likely benign. Review status: criteria provided, multiple submitters, no conflicts (2 of 4 stars). 6 submissions from 6 submitters: Likely benign (6). Last evaluated 2026-01-26.

Conditions:
Hereditary cancer-predisposing syndrome. Also called: Tumor predisposition; Hereditary neoplastic syndrome; Hereditary Cancer Syndrome; Neoplastic Syndromes, Hereditary. Identifiers: Orphanet 140162, MedGen C0027672, MeSH D009386, MONDO:0015356.
Colorectal cancer, susceptibility to, 12 (CRCS12). Also called: COLORECTAL CANCER, SUSCEPTIBILITY TO, ON CHROMOSOME 12q24. Identifiers: Orphanet 220460, MedGen C3554460, MONDO:0014038, OMIM 615083.

Allele frequency attached by ClinVar (database versions not stated): gnomAD 0.00001; gnomAD exomes 0.00001 and 0.00003; ExAC 0.00002; TOPMed 0.00003.

Submissions (6):

Labcorp Genetics (formerly Invitae), Labcorp
Classification: Likely benign. Last evaluated: 2026-01-26. Review status: criteria provided, single submitter. Criteria: Invitae Variant Classification Sherloc (09022015). Collection method: clinical testing. Allele origin: germline.

Women's Health and Genetics/Laboratory Corporation of America, LabCorp
Classification: Likely benign. Last evaluated: 2025-12-14. Review status: criteria provided, single submitter. Criteria: LabCorp Variant Classification Summary - May 2015. Collection method: clinical testing. Allele origin: germline.

CeGaT Center for Human Genetics Tuebingen
Classification: Likely benign. Last evaluated: 2025-04-01. Review status: criteria provided, single submitter. Criteria: CeGaT Center For Human Genetics Tuebingen Variant Classification Criteria Version 2. Collection method: clinical testing. Allele origin: germline. Affected: yes. Observed: 1 variant allele.
Comment: POLE: BP4, BP7

Mendelics
Classification: Likely benign for Colorectal cancer, susceptibility to, 12. Last evaluated: 2019-05-28. Review status: criteria provided, single submitter. Criteria: Mendelics Assertion Criteria 2017. Collection method: clinical testing. Allele origin: unknown.

GeneDx
Classification: Likely benign. Last evaluated: 2019-03-27. Review status: criteria provided, single submitter. Criteria: GeneDx Variant Classification Process June 2021. Collection method: clinical testing. Allele origin: germline. Affected: yes.

Ambry Genetics
Classification: Likely benign for Hereditary cancer-predisposing syndrome. Last evaluated: 2015-12-24. Review status: criteria provided, single submitter. Criteria: Ambry Variant Classification Scheme 2023. Collection method: clinical testing. Allele origin: germline.

NM_006231.4(POLE):c.6540G>A (p.Ala2180=)

Gene: POLE (DNA polymerase epsilon, catalytic subunit; minus strand). Cytogenetic location: 12q24.33.
Variant type: single nucleotide variant.
Coding change: c.6540G>A on transcript NM_006231.4 (MANE Select); coding-DNA position 6540, G replaced by A.
Protein change: p.Ala2180=; no amino-acid change (alanine 2180 retained).
Molecular consequence: synonymous variant.
Genome position (GRCh38, 1-based): chr12:132,625,762, C>T on the plus strand (G>A on the coding strand, the complement: POLE is on the minus strand). VCF-style: chr12-132625762-C-T. GRCh37 (hg19) VCF-style: chr12-133202348-C-T.
Identifiers: ClinVar variation 413523 (VCV000413523.27), dbSNP rs746976542, ClinGen allele CA6892130.